The following is an entry in ClinVar:

ClinVar aggregate classification (germline): Likely pathogenic. Review status: criteria provided, multiple submitters, no conflicts (2 of 4 stars). 2 submissions from 2 submitters: Likely pathogenic (2). Last evaluated 2023-05-19.

Conditions:
Cardiac arrhythmia. Also called: Arrhythmia; Cardiac rhythm disease. Identifiers: MedGen C0003811, MONDO:0007263, HP:0011675.

Allele frequency attached by ClinVar (database versions not stated): gnomAD exomes below 0.00001.
gnomAD v4.1: 1 of 1,613,386 alleles (0.000062%); highest among the groups gnomAD compares: Non-Finnish European, 0.000085%; no homozygotes.

Submissions (2):

GeneDx
Classification: Likely pathogenic. Last evaluated: 2023-05-19. Review status: criteria provided, single submitter. Criteria: GeneDx Variant Classification Process June 2021. Collection method: clinical testing. Allele origin: germline. Affected: yes.
Comment: Reported in a patient referred for LQTS genetic testing (Kapplinger et al., 2009); Not observed at significant frequency in large population cohorts (gnomAD); Canonical splice site variant predicted to result in an in-frame loss of the adjacent exon in a gene for which loss of function is a known mechanism of disease; This variant is associated with the following publications: (PMID: 25525159, 33087929, 19716085)

Color Diagnostics, LLC DBA Color Health
Classification: Likely pathogenic for Cardiac arrhythmia. Last evaluated: 2020-08-04. Review status: criteria provided, single submitter. Criteria: ACMG Guidelines, 2015. Collection method: clinical testing. Allele origin: germline.
Comment: This variant causes a T to C nucleotide substitution at the +2 position of intron 9 of the KCNQ1 gene. Splice site prediction tools predict that this variant may have a significant impact on RNA splicing. This variant is likely to cause an in-frame skipping of exon 9 (123 bp-long). Multiple pathogenic missense variants have been reported in this exon (Clinvar), indicating the functional and clinical importance of the region that may be affected by this variant. Although functional studies have not been reported, this variant is expected to result in a disrupted protein product and impair KCNQ1 channel function. This variant has been reported in one individual referred for the long QT syndrome genetic test (PMID: 19716085). This variant has not been identified in the general population by the Genome Aggregation Database (gnomAD). Loss of KCNQ1 function is a known mechanism of disease. Based on the available evidence, this variant is classified as Likely Pathogenic.

NM_000218.3(KCNQ1):c.1251+2T>C

Gene: KCNQ1 (potassium voltage-gated channel subfamily Q member 1; plus strand). Cytogenetic location: 11p15.5.
Variant type: single nucleotide variant.
Coding change: c.1251+2T>C on transcript NM_000218.3 (MANE Select); the canonical splice donor site of the intron after coding-DNA position 1251, T replaced by C.
Molecular consequence: splice donor variant.
Genome position (GRCh38, 1-based): chr11:2,587,694, T>C. VCF-style: chr11-2587694-T-C. GRCh37 (hg19) VCF-style: chr11-2608924-T-C.
Other names: c.981+2T>C (NM_001406837.1); c.1155+2T>C (NM_001406836.1); c.711+2T>C (NM_001406838.1); c.870+2T>C (NM_181798.2).
Identifiers: ClinVar variation 200845 (VCV000200845.9), dbSNP rs794728528, ClinGen allele CA005533.